The following is an entry in ClinVar:

NM_030777.4(SLC2A10):c.343_832delinsC (p.Ser115_Ala278delinsPro)

Gene: SLC2A10 (solute carrier family 2 member 10; plus strand). Cytogenetic location: 20q13.12.
Variant type: Indel.
Coding change: c.343_832delinsC on transcript NM_030777.4 (MANE Select); coding-DNA positions 343 to 832, the reference bases replaced by C.
Protein change: p.Ser115_Ala278delinsPro.
Molecular consequence: inframe indel.
Genome position (GRCh38, 1-based): chr20:46,725,379-46,725,868, 490 bases replaced. GRCh37 (hg19): chr20:45,354,018-45,354,507.
Identifiers: ClinVar variation 2761376 (VCV002761376.3), dbSNP rs2515587479, ClinGen allele CA2697547414.

ClinVar aggregate classification (germline): Pathogenic (1 of 4 stars; one submission).

Conditions:
Arterial tortuosity syndrome (ATORS). Identifiers: Orphanet 3342, MedGen C1859726, MONDO:0008818, OMIM 208050.

Submission:

Labcorp Genetics (formerly Invitae), Labcorp
Classification: Pathogenic for Arterial tortuosity syndrome. Last evaluated: 2023-09-18. Review status: criteria provided, single submitter. Criteria: Invitae Variant Classification Sherloc (09022015). Collection method: clinical testing. Allele origin: germline.
Comment: This variant, c.343_832delinsC, is a complex sequence change that results in the deletion of 164 and insertion of 1 amino acid(s) in the SLC2A10 protein (p.Ser115_Ala278delinsPro). This variant is not present in population databases (gnomAD no frequency). This variant has not been reported in the literature in individuals affected with SLC2A10-related conditions. This variant disrupts a region of the SLC2A10 protein in which other variant(s) (p.Arg132Trp) have been determined to be pathogenic (PMID: 17935213, 28726533, 29543232). This suggests that this is a clinically significant region of the protein, and that variants that disrupt it are likely to be disease-causing. For these reasons, this variant has been classified as Pathogenic.

Literature cited by the submitters: PubMed 17935213; PubMed 28726533; PubMed 29543232.